The following is an entry in ClinVar:

NM_001940.4(ATN1):c.2617C>T (p.Pro873Ser)

Gene: ATN1 (atrophin 1; plus strand). Cytogenetic location: 12p13.31.
Variant type: single nucleotide variant.
Coding change: c.2617C>T on transcript NM_001940.4 (MANE Select); coding-DNA position 2617, C replaced by T.
Protein change: p.Pro873Ser; replaces proline 873 with serine.
Molecular consequence: missense variant.
Genome position (GRCh38, 1-based): chr12:6,938,580, C>T. VCF-style: chr12-6938580-C-T. GRCh37 (hg19) VCF-style: chr12-7047743-C-T.
Other names: c.2617C>T, p.Pro873Ser (NM_001007026.2); short protein forms P873S.
Identifiers: ClinVar variation 1711877 (VCV001711877.2), dbSNP rs1565568638, ClinGen allele CA383736487.

ClinVar aggregate classification (germline): Uncertain significance (1 of 4 stars; one submission).

Allele frequency attached by ClinVar (database versions not stated): gnomAD exomes below 0.00001.
gnomAD v4.1: 2 of 1,614,220 alleles (0.00012%); highest among the groups gnomAD compares: South Asian, 0.0011%; no homozygotes.

Submission:

GeneDx
Classification: Uncertain significance. Last evaluated: 2022-04-22. Review status: criteria provided, single submitter. Criteria: GeneDx Variant Classification Process June 2021. Collection method: clinical testing. Allele origin: germline. Affected: yes.
Comment: Not observed at significant frequency in large population cohorts (gnomAD); In silico analysis supports that this missense variant has a deleterious effect on protein structure/function; Has not been previously published as pathogenic or benign to our knowledge